The following is an entry in ClinVar:

ClinVar aggregate classification (germline): Uncertain significance. Review status: criteria provided, multiple submitters, no conflicts (2 of 4 stars). 2 submissions from 2 submitters: Uncertain significance (2). Last evaluated 2025-09-09.

Submissions (2):

Labcorp Genetics (formerly Invitae), Labcorp
Classification: Uncertain significance. Last evaluated: 2025-09-09. Review status: criteria provided, single submitter. Criteria: Invitae Variant Classification Sherloc (09022015). Collection method: clinical testing. Allele origin: germline.
Comment: This sequence change replaces arginine, which is basic and polar, with cysteine, which is neutral and slightly polar, at codon 166 of the MRPS7 protein (p.Arg166Cys). This variant is present in population databases (rs535244092, gnomAD 0.04%). This variant has not been reported in the literature in individuals affected with MRPS7-related conditions. ClinVar contains an entry for this variant (Variation ID: 3398396). Invitae Evidence Modeling of protein sequence and biophysical properties (such as structural, functional, and spatial information, amino acid conservation, physicochemical variation, residue mobility, and thermodynamic stability) indicates that this missense variant is not expected to disrupt MRPS7 protein function with a negative predictive value of 80%. Algorithms developed to predict the effect of sequence changes on RNA splicing suggest that this variant may create or strengthen a splice site. In summary, the available evidence is currently insufficient to determine the role of this variant in disease. Therefore, it has been classified as a Variant of Uncertain Significance.

Ambry Genetics
Classification: Uncertain significance. Last evaluated: 2024-07-16. Review status: criteria provided, single submitter. Criteria: Ambry Variant Classification Scheme 2023. Collection method: clinical testing. Allele origin: germline.

NM_015971.4(MRPS7):c.496C>T (p.Arg166Cys)

Gene: MRPS7 (mitochondrial ribosomal protein S7; plus strand). Cytogenetic location: 17q25.1.
Variant type: single nucleotide variant.
Coding change: c.496C>T on transcript NM_015971.4 (MANE Select); coding-DNA position 496, C replaced by T.
Protein change: p.Arg166Cys; replaces arginine 166 with cysteine.
Molecular consequence: missense variant.
Genome position (GRCh38, 1-based): chr17:75,263,496, C>T. VCF-style: chr17-75263496-C-T. GRCh37 (hg19) VCF-style: chr17-73259577-C-T.
Other names: short protein forms R166C.
Identifiers: ClinVar variation 3398396 (VCV003398396.2).